The following is an entry in ClinVar:

ClinVar aggregate classification (germline): Uncertain significance (1 of 4 stars; one submission).

Allele frequency attached by ClinVar (database versions not stated): gnomAD exomes 0.00001 and 0.00003; ExAC 0.00005; ESP Exome Variant Server 0.00008; TOPMed 0.00020; gnomAD 0.00021 and 0.00023; 1000 Genomes Project 0.00100; 1000 Genomes Project 30x 0.00109.
gnomAD v4.1: 46 of 1,614,176 alleles (0.0028%); highest among the groups gnomAD compares: African/African-American, 0.059%; no homozygotes.

Submission:

Labcorp Genetics (formerly Invitae), Labcorp
Classification: Uncertain significance. Last evaluated: 2025-08-30. Review status: criteria provided, single submitter. Criteria: Invitae Variant Classification Sherloc (09022015). Collection method: clinical testing. Allele origin: germline.
Comment: This sequence change replaces alanine, which is neutral and non-polar, with valine, which is neutral and non-polar, at codon 5140 of the HMCN1 protein (p.Ala5140Val). This variant is present in population databases (rs143555344, gnomAD 0.06%), and has an allele count higher than expected for a pathogenic variant. This variant has not been reported in the literature in individuals affected with HMCN1-related conditions. ClinVar contains an entry for this variant (Variation ID: 1355664). An algorithm developed to predict the effect of missense changes on protein structure and function outputs the following: PolyPhen-2: "Benign". The valine amino acid residue is found in multiple mammalian species, which suggests that this missense change does not adversely affect protein function. In summary, the available evidence is currently insufficient to determine the role of this variant in disease. Therefore, it has been classified as a Variant of Uncertain Significance.

NM_031935.3(HMCN1):c.15419C>T (p.Ala5140Val)

Gene: HMCN1 (hemicentin 1; plus strand). Cytogenetic location: 1q31.1.
Variant type: single nucleotide variant.
Coding change: c.15419C>T on transcript NM_031935.3 (MANE Select); coding-DNA position 15419, C replaced by T.
Protein change: p.Ala5140Val; replaces alanine 5140 with valine.
Molecular consequence: missense variant.
Genome position (GRCh38, 1-based): chr1:186,166,283, C>T. VCF-style: chr1-186166283-C-T. GRCh37 (hg19) VCF-style: chr1-186135415-C-T.
Other names: short protein forms A5140V.
Identifiers: ClinVar variation 1355664 (VCV001355664.6), dbSNP rs143555344, ClinGen allele CA1295244.